The following is an entry in ClinVar:

ClinVar aggregate classification (germline): Uncertain significance (1 of 4 stars; one submission).

Allele frequency attached by ClinVar (database versions not stated): TOPMed below 0.00001; ExAC 0.00001; gnomAD 0.00001; gnomAD exomes 0.00001.
gnomAD v4.1: 13 of 1,613,874 alleles (0.00081%); highest among the groups gnomAD compares: Non-Finnish European, 0.0011%; no homozygotes.

Submission:

Labcorp Genetics (formerly Invitae), Labcorp
Classification: Uncertain significance. Last evaluated: 2024-10-13. Review status: criteria provided, single submitter. Criteria: Invitae Variant Classification Sherloc (09022015). Collection method: clinical testing. Allele origin: germline.
Comment: This sequence change replaces methionine, which is neutral and non-polar, with arginine, which is basic and polar, at codon 761 of the DDX58 protein (p.Met761Arg). This variant is present in population databases (rs781464142, gnomAD 0.0009%). This variant has not been reported in the literature in individuals affected with DDX58-related conditions. Invitae Evidence Modeling of protein sequence and biophysical properties (such as structural, functional, and spatial information, amino acid conservation, physicochemical variation, residue mobility, and thermodynamic stability) indicates that this missense variant is expected to disrupt DDX58 protein function with a positive predictive value of 80%. In summary, the available evidence is currently insufficient to determine the role of this variant in disease. Therefore, it has been classified as a Variant of Uncertain Significance.

NM_014314.4(RIGI):c.2282T>G (p.Met761Arg)

Gene: RIGI (RNA sensor RIG-I; minus strand). Cytogenetic location: 9p21.1.
Variant type: single nucleotide variant.
Coding change: c.2282T>G on transcript NM_014314.4 (MANE Select); coding-DNA position 2282, T replaced by G.
Protein change: p.Met761Arg; replaces methionine 761 with arginine.
Molecular consequence: missense variant.
Genome position (GRCh38, 1-based): chr9:32,466,345, A>C on the plus strand (T>G on the coding strand, the complement: RIGI is on the minus strand). VCF-style: chr9-32466345-A-C. GRCh37 (hg19) VCF-style: chr9-32466343-A-C.
Other names: c.1673T>G, p.Met558Arg (NM_001385912.1); c.2267T>G, p.Met756Arg (NM_001385913.1); c.1838T>G, p.Met613Arg (NM_001385914.1); c.2276T>G, p.Met759Arg (NM_001385907.1); c.2111T>G, p.Met704Arg (NM_001385909.1); c.1841T>G, p.Met614Arg (NM_001385910.1); short protein forms M558R, M704R, M756R, M614R, M759R, M613R, M761R.
Identifiers: ClinVar variation 2880572 (VCV002880572.3), dbSNP rs781464142, ClinGen allele CA5019549.